The following is an entry in ClinVar:

NM_022834.5(VWA1):c.96del (p.Asp34fs)

Gene: VWA1 (von Willebrand factor A domain containing 1; plus strand). Cytogenetic location: 1p36.33.
Variant type: Deletion.
Coding change: c.96del on transcript NM_022834.5 (MANE Select); coding-DNA position 96, one base deleted (A; older notation c.96delA).
Protein change: p.Asp34fs; shifts the reading frame from aspartic acid 34.
Molecular consequence: frameshift variant. On other transcripts: intron variant (1).
Genome position (GRCh38, 1-based): chr1:1,436,949, A deleted. VCF-style (leftmost placement, unchanged base first): chr1-1436948-GA-G. GRCh37 (hg19) VCF-style: chr1-1372328-GA-G.
Other names: c.74-373del (NM_199121.3); short protein forms D34fs.
Identifiers: ClinVar variation 2154860 (VCV002154860.1), dbSNP rs2523714470, ClinGen allele CA2580060430.

ClinVar aggregate classification (germline): Pathogenic (1 of 4 stars; one submission).

Submission:

Labcorp Genetics (formerly Invitae), Labcorp
Classification: Pathogenic. Last evaluated: 2022-07-05. Review status: criteria provided, single submitter. Criteria: Invitae Variant Classification Sherloc (09022015). Collection method: clinical testing. Allele origin: germline.
Comment: This sequence change creates a premature translational stop signal (p.Asp34Thrfs*2) in the VWA1 gene. It is expected to result in an absent or disrupted protein product. Loss-of-function variants in VWA1 are known to be pathogenic (PMID: 33459760). This variant is not present in population databases (gnomAD no frequency). This variant has not been reported in the literature in individuals affected with VWA1-related conditions. For these reasons, this variant has been classified as Pathogenic.

Literature cited by the submitters: PubMed 33459760.